The following is an entry in ClinVar:

NM_001367624.2(ZNF469):c.6163A>C (p.Thr2055Pro)

Gene: ZNF469 (zinc finger protein 469; plus strand). Cytogenetic location: 16q24.2.
Variant type: single nucleotide variant.
Coding change: c.6163A>C on transcript NM_001367624.2 (MANE Select); coding-DNA position 6163, A replaced by C.
Protein change: p.Thr2055Pro; replaces threonine 2055 with proline.
Molecular consequence: missense variant.
Genome position (GRCh38, 1-based): chr16:88,433,633, A>C. VCF-style: chr16-88433633-A-C. GRCh37 (hg19) VCF-style: chr16-88500041-A-C.
Other names: NM_001127464.1:c.6079A>C; short protein forms T2055P.
Identifiers: ClinVar variation 2497311 (VCV002497311.2), dbSNP rs2142308908, ClinGen allele CA397104346.

ClinVar aggregate classification (germline): Uncertain significance (1 of 4 stars; one submission).

Conditions:
Cardiovascular phenotype. Identifiers: MedGen CN230736.

Submission:

Ambry Genetics
Classification: Uncertain significance for Cardiovascular phenotype. Last evaluated: 2022-11-20. Review status: criteria provided, single submitter. Criteria: Ambry Variant Classification Scheme 2023. Collection method: clinical testing. Allele origin: germline.
Comment: The p.T2027P variant (also known as c.6079A>C), located in coding exon 2 of the ZNF469 gene, results from an A to C substitution at nucleotide position 6079. The threonine at codon 2027 is replaced by proline, an amino acid with highly similar properties. This amino acid position is conserved. In addition, this alteration is predicted to be tolerated by in silico analysis. Since supporting evidence is limited at this time, the clinical significance of this alteration remains unclear.